The following is an entry in ClinVar:

ClinVar aggregate classification (germline): Uncertain significance (1 of 4 stars; one submission).

Conditions:
NRP1-related disorder. Also called: NRP1-related condition.

gnomAD v4.1: 1 of 1,613,850 alleles (0.000062%); highest among the groups gnomAD compares: Non-Finnish European, 0.000085%; no homozygotes.

Submission:

PreventionGenetics, part of Exact Sciences
Classification: Uncertain significance for NRP1-related condition. Last evaluated: 2025-02-22. Review status: criteria provided, single submitter. Criteria: ACMG Guidelines, 2015. Collection method: clinical testing. Allele origin: germline.
Comment: The NRP1 c.187C>G variant is predicted to result in the amino acid substitution p.Pro63Ala. To our knowledge, this variant has not been reported in the literature or in a large population database (gnomAD), indicating this variant is rare. At this time, the clinical significance of this variant is uncertain due to the absence of conclusive functional and genetic evidence.

NM_003873.7(NRP1):c.187C>G (p.Pro63Ala)

Gene: NRP1 (neuropilin 1; minus strand). Cytogenetic location: 10p11.22.
Variant type: single nucleotide variant.
Coding change: c.187C>G on transcript NM_003873.7 (MANE Select); coding-DNA position 187, C replaced by G.
Protein change: p.Pro63Ala; replaces proline 63 with alanine.
Molecular consequence: missense variant. On other transcripts: non-coding transcript variant (1).
Genome position (GRCh38, 1-based): chr10:33,330,769, G>C on the plus strand (C>G on the coding strand, the complement: NRP1 is on the minus strand). VCF-style: chr10-33330769-G-C. GRCh37 (hg19) VCF-style: chr10-33619697-G-C.
Other names: c.187C>G, p.Pro63Ala (NM_001024628.3, NM_001024629.3, NM_001244972.2 and 2 more transcripts); short protein forms P63A.
Identifiers: ClinVar variation 4999233 (VCV004999233.1).